The following is an entry in ClinVar:

ClinVar aggregate classification (germline): Uncertain significance (1 of 4 stars; one submission).

Conditions:
Childhood apraxia of speech (SPCH1). Also called: SPEECH AND LANGUAGE DISORDER WITH OROFACIAL DYSPRAXIA; DEVELOPMENTAL VERBAL DYSPRAXIA; FOXP2-Related Speech and Language Disorder; Speech language disorder. Identifiers: Orphanet 209908, MedGen C0750927, MONDO:0011184, OMIM 602081.

Submission:

Baylor Genetics
Classification: Uncertain significance for Childhood apraxia of speech. Last evaluated: 2018-09-27. Review status: criteria provided, single submitter. Criteria: ACMG Guidelines, 2015. Collection method: clinical testing. Allele origin: maternal. Affected: yes.
Comment: This variant was determined to be of uncertain significance according to ACMG Guidelines, 2015 [PMID:25741868].

NM_014491.4(FOXP2):c.131T>C (p.Val44Ala)

Gene: FOXP2 (forkhead box P2; plus strand). Cytogenetic location: 7q31.1.
Variant type: single nucleotide variant.
Coding change: c.131T>C on transcript NM_014491.4 (MANE Select); coding-DNA position 131, T replaced by C.
Protein change: p.Val44Ala; replaces valine 44 with alanine.
Molecular consequence: missense variant. On other transcripts: non-coding transcript variant (2).
Genome position (GRCh38, 1-based): chr7:114,426,642, T>C. VCF-style: chr7-114426642-T-C. GRCh37 (hg19) VCF-style: chr7-114066697-T-C.
Other names: c.131T>C, p.Val44Ala (NM_001172766.3, NM_001172767.2, NM_148898.4 and 2 more transcripts); short protein forms V44A.
Identifiers: ClinVar variation 1031834 (VCV001031834.1), dbSNP rs1283187808, ClinGen allele CA369105771.